The following is an entry in ClinVar:

ClinVar aggregate classification (germline): Pathogenic (1 of 4 stars; one submission).

Conditions:
Progressive muscular dystrophy. Identifiers: Orphanet 206644, MedGen C4551827, MONDO:0016106.

Submission:

Myriad Genetics, Inc.
Classification: Pathogenic for Progressive muscular dystrophy. Last evaluated: 2025-12-01. Review status: criteria provided, single submitter. Criteria: Myriad Autosomal Dominant, Autosomal Recessive and X-Linked Classification Criteria (2023). Collection method: clinical testing. Allele origin: unknown.
Comment: NM_004006.2(DMD):c.2841delC(M948*) is a nonsense variant classified as pathogenic in the context of dystrophinopathy (including Duchenne/Becker muscular dystrophy). M948* has not been observed in cases with relevant disease. Relevant functional assessments of this variant are not available in the literature. M948* has not been observed in referenced population frequency databases. In summary, NM_004006.2(DMD):c.2841delC(M948*) is a nonsense variant in a gene where loss of function is a known mechanism of disease and is predicted to disrupt protein function. Please note: this variant was assessed in the context of healthy population screening.

NM_004006.3(DMD):c.2841del (p.Thr947_Met948insTer)

Gene: DMD (dystrophin; minus strand). Cytogenetic location: Xp21.1.
Variant type: Deletion.
Coding change: c.2841del on transcript NM_004006.3 (MANE Select); coding-DNA position 2841, one base deleted (C; older notation c.2841delC).
Protein change: p.Thr947_Met948insTer.
Molecular consequence: frameshift variant.
Genome position (GRCh38, 1-based): chrX:32,472,272, G deleted on the plus strand (C on the coding strand, the reverse complement: DMD is on the minus strand); the first of 2 consecutive G bases (chrX:32,472,272-32,472,273); deleting either gives the same sequence. VCF-style (leftmost placement, unchanged base first): chrX-32472271-TG-T. GRCh37 (hg19) VCF-style: chrX-32490388-TG-T.
Other names: c.2817del, p.Thr939_Met940insTer (NM_000109.4); c.2829del, p.Thr943_Met944insTer (NM_004009.3); c.2472del, p.Thr824_Met825insTer (NM_004010.3).
Identifiers: ClinVar variation 5004303 (VCV005004303.1).